The following is an entry in ClinVar:

ClinVar aggregate classification (germline): Benign (0 of 4 stars; one submission).

Conditions:
SPOUT1-related disorder. Also called: SPOUT1-related condition.

Allele frequency attached by ClinVar (database versions not stated): ExAC 0.00104; ESP Exome Variant Server 0.00323; gnomAD 0.00329; 1000 Genomes Project 0.00399; 1000 Genomes Project 30x 0.00484.

Submission:

PreventionGenetics, part of Exact Sciences
Classification: Benign for SPOUT1-related condition. Last evaluated: 2019-10-28. Review status: no assertion criteria provided. Collection method: clinical testing. Allele origin: germline.
Comment: This variant is classified as benign based on ACMG/AMP sequence variant interpretation guidelines (Richards et al. 2015 PMID: 25741868, with internal and published modifications).

NM_016390.4(SPOUT1):c.418G>A (p.Val140Ile)

Genes: KYAT1-SPOUT1 (KYAT1-SPOUT1 readthrough; minus strand), SPOUT1 (SPOUT domain containing methyltransferase 1; minus strand). Cytogenetic location: 9q34.11.
Variant type: single nucleotide variant.
Coding change: c.418G>A on transcript NM_016390.4 (MANE Select); coding-DNA position 418, G replaced by A.
Protein change: p.Val140Ile; replaces valine 140 with isoleucine.
Molecular consequence: missense variant. On other transcripts: non-coding transcript variant (2).
Genome position (GRCh38, 1-based): chr9:128,826,580, C>T on the plus strand (G>A on the coding strand, the complement: SPOUT1 is on the minus strand). VCF-style: chr9-128826580-C-T. GRCh37 (hg19) VCF-style: chr9-131588859-C-T.
Other names: c.1765G>A, p.Val589Ile (NM_001414398.1); short protein forms V140I, V589I.
Identifiers: ClinVar variation 3053485 (VCV003053485.2), dbSNP rs73622710, ClinGen allele CA5269904.